The following is an entry in ClinVar:

NM_024334.3(TMEM43):c.1034A>G (p.Asn345Ser)

Gene: TMEM43 (transmembrane protein 43; plus strand). Cytogenetic location: 3p25.1.
Variant type: single nucleotide variant.
Coding change: c.1034A>G on transcript NM_024334.3 (MANE Select); coding-DNA position 1034, A replaced by G.
Protein change: p.Asn345Ser; replaces asparagine 345 with serine.
Molecular consequence: missense variant.
Genome position (GRCh38, 1-based): chr3:14,141,626, A>G. VCF-style: chr3-14141626-A-G. GRCh37 (hg19) VCF-style: chr3-14183126-A-G.
Other names: c.1034A>G (NM_024334.2); short protein forms N345S.
Identifiers: ClinVar variation 1421701 (VCV001421701.12), dbSNP rs758981622, ClinGen allele CA051038.

ClinVar aggregate classification (germline): Uncertain significance. Review status: criteria provided, multiple submitters, no conflicts (2 of 4 stars). 5 submissions from 5 submitters: Uncertain significance (5). Last evaluated 2025-09-15.

Conditions:
Cardiovascular phenotype. Identifiers: MedGen CN230736.
Cardiomyopathy (CMYO). Also called: Cardiomyopathies. Identifiers: Orphanet 167848, MedGen C0878544, MONDO:0004994, HP:0001638. Inheritance: Various modes of inheritance.
Arrhythmogenic right ventricular dysplasia 5. Also called: Arrhythmogenic Right Ventricular Dysplasia/Cardiomyopathy 5; ARRHYTHMOGENIC RIGHT VENTRICULAR DYSPLASIA, FAMILIAL, 5. Identifiers: MedGen C1858379, MONDO:0011459, OMIM 604400.

Allele frequency attached by ClinVar (database versions not stated): TOPMed 0.00001.
gnomAD v4.1: 16 of 1,614,184 alleles (0.00099%); highest among the groups gnomAD compares: Non-Finnish European, 0.0014%; no homozygotes.

Submissions (5):

Color Diagnostics, LLC DBA Color Health
Classification: Uncertain significance for Cardiomyopathy. Last evaluated: 2025-09-15. Review status: criteria provided, single submitter. Criteria: ACMG Guidelines, 2015. Collection method: clinical testing. Allele origin: germline.
Comment: This missense variant replaces asparagine with serine at codon 345 of the TMEM43 protein. Computational prediction suggests that this variant may not impact protein structure and function. To our knowledge, functional studies have not been reported for this variant. This variant has not been reported in individuals affected with TMEM43-related disorders in the literature. This variant has been identified in 2/250956 chromosomes in the general population by the Genome Aggregation Database (gnomAD). The available evidence is insufficient to determine the role of this variant in disease conclusively. Therefore, this variant is classified as a Variant of Uncertain Significance.

Labcorp Genetics (formerly Invitae), Labcorp
Classification: Uncertain significance for Arrhythmogenic right ventricular dysplasia 5. Last evaluated: 2025-07-14. Review status: criteria provided, single submitter. Criteria: Invitae Variant Classification Sherloc (09022015). Collection method: clinical testing. Allele origin: germline.
Comment: This sequence change replaces asparagine, which is neutral and polar, with serine, which is neutral and polar, at codon 345 of the TMEM43 protein (p.Asn345Ser). This variant is present in population databases (rs758981622, gnomAD 0.002%). This variant has not been reported in the literature in individuals affected with TMEM43-related conditions. ClinVar contains an entry for this variant (Variation ID: 1421701). Invitae Evidence Modeling of protein sequence and biophysical properties (such as structural, functional, and spatial information, amino acid conservation, physicochemical variation, residue mobility, and thermodynamic stability) indicates that this missense variant is not expected to disrupt TMEM43 protein function with a negative predictive value of 80%. In summary, the available evidence is currently insufficient to determine the role of this variant in disease. Therefore, it has been classified as a Variant of Uncertain Significance.

Dasa
Classification: Uncertain significance. Last evaluated: 2025-05-19. Review status: criteria provided, single submitter. Criteria: DASA Assertion Criteria. Collection method: clinical testing. Allele origin: germline.
Comment: NM_024334.3(TMEM43):c.1034A>G (p.Asn345Ser) is a missense variant that results in the substitution of asparagine with serine. This variant is rare in population databases. Computational prediction algorithms are consistent with a benign effect. The currently available literature and clinical evidence are not sufficient to establish a definitive association between this variant and the reported condition. Therefore, this variant is classified as a variant of uncertain significance.

GeneDx
Classification: Uncertain significance. Last evaluated: 2024-04-26. Review status: criteria provided, single submitter. Criteria: GeneDx Variant Classification Process June 2021. Collection method: clinical testing. Allele origin: germline. Affected: yes.
Comment: Not observed at significant frequency in large population cohorts (gnomAD); In silico analysis supports that this missense variant does not alter protein structure/function; Has not been previously published as pathogenic or benign to our knowledge

Ambry Genetics
Classification: Uncertain significance for Cardiovascular phenotype. Last evaluated: 2023-05-11. Review status: criteria provided, single submitter. Criteria: Ambry Variant Classification Scheme 2023. Collection method: clinical testing. Allele origin: germline.
Comment: The p.N345S variant (also known as c.1034A>G), located in coding exon 12 of the TMEM43 gene, results from an A to G substitution at nucleotide position 1034. The asparagine at codon 345 is replaced by serine, an amino acid with highly similar properties. This amino acid position is conserved. In addition, this alteration is predicted to be tolerated by in silico analysis. Since supporting evidence is limited at this time, the clinical significance of this alteration remains unclear.